The following is an entry in ClinVar:

NM_000038.6(APC):c.3809G>A (p.Cys1270Tyr)

Gene: APC (APC regulator of Wnt signaling pathway; plus strand). Cytogenetic location: 5q22.2.
Variant type: single nucleotide variant.
Coding change: c.3809G>A on transcript NM_000038.6 (MANE Select); coding-DNA position 3809, G replaced by A.
Protein change: p.Cys1270Tyr; replaces cysteine 1270 with tyrosine.
Molecular consequence: missense variant. On other transcripts: non-coding transcript variant (2).
Genome position (GRCh38, 1-based): chr5:112,839,403, G>A. VCF-style: chr5-112839403-G-A. GRCh37 (hg19) VCF-style: chr5-112175100-G-A.
Other names: c.2657G>A, p.Cys886Tyr (NM_001407472.1, NM_001407471.1); c.3809G>A, p.Cys1270Tyr (NM_001127510.3, NM_001354895.2, NM_001407450.1); c.3755G>A, p.Cys1252Tyr (NM_001127511.3); c.3863G>A, p.Cys1288Tyr (NM_001354896.2, NM_001407447.1, NM_001407448.1 and 1 more transcripts); c.3839G>A, p.Cys1280Tyr (NM_001354897.2); c.3734G>A, p.Cys1245Tyr (NM_001354898.2); c.3725G>A, p.Cys1242Tyr (NM_001354899.2); c.3686G>A, p.Cys1229Tyr (NM_001354900.2); and 11 more; short protein forms C1179Y, C1229Y, C1245Y, C1280Y, C1110Y, C1141Y, C1169Y, C1242Y.
Identifiers: ClinVar variation 3635452 (VCV003635452.2).

ClinVar aggregate classification (germline): Uncertain significance (1 of 4 stars; one submission).

Conditions:
Familial adenomatous polyposis 1 (FAP1). Also called: FAMILIAL ADENOMATOUS POLYPOSIS 1, ATTENUATED; POLYPOSIS, ADENOMATOUS INTESTINAL. Identifiers: MedGen C2713442, MONDO:0021056, OMIM 175100. Disease mechanism: loss of function.

gnomAD v4.1: 1 of 1,614,124 alleles (0.000062%); highest among the groups gnomAD compares: East Asian, 0.0022%; no homozygotes.

Submission:

Labcorp Genetics (formerly Invitae), Labcorp
Classification: Uncertain significance for Familial adenomatous polyposis 1. Last evaluated: 2024-08-13. Review status: criteria provided, single submitter. Criteria: Invitae Variant Classification Sherloc (09022015). Collection method: clinical testing. Allele origin: germline.
Comment: This sequence change replaces cysteine, which is neutral and slightly polar, with tyrosine, which is neutral and polar, at codon 1270 of the APC protein (p.Cys1270Tyr). This variant is present in population databases (rs750280766, gnomAD 0.006%). This variant has not been reported in the literature in individuals affected with APC-related conditions. Invitae Evidence Modeling of protein sequence and biophysical properties (such as structural, functional, and spatial information, amino acid conservation, physicochemical variation, residue mobility, and thermodynamic stability) indicates that this missense variant is not expected to disrupt APC protein function with a negative predictive value of 95%. In summary, the available evidence is currently insufficient to determine the role of this variant in disease. Therefore, it has been classified as a Variant of Uncertain Significance.